The following is an entry in ClinVar:

ClinVar aggregate classification (germline): Benign/Likely benign. Review status: criteria provided, multiple submitters, no conflicts (2 of 4 stars). 12 submissions from 11 submitters: Benign (10); Likely benign (1). 1 of the submissions does not count toward it. Last evaluated 2026-02-03.

Conditions:
Connective tissue disorder. Also called: Connective tissue disease. Identifiers: MedGen C0009782, MONDO:0003900.
Jeune thoracic dystrophy. Also called: Short-rib thoracic dysplasia; Jeune syndrome; Infantile thoracic dystrophy; Thoracic pelvic phalangeal dystrophy; Jeune's syndrome; Chondroectodermal dysplasia-like syndrome. Identifiers: Orphanet 474, MedGen C0265275, MONDO:0018770.
Nephronophthisis. Also called: Juvenile Nephronophthisis. Identifiers: Orphanet 655, MedGen C0687120, MONDO:0019005, HP:0000090.
Asphyxiating thoracic dystrophy 4 (SRTD4). Also called: SHORT-RIB THORACIC DYSPLASIA 4 WITH OR WITHOUT POLYDACTYLY; SHORT-RIB THORACIC DYSPLASIA 4. Identifiers: Orphanet 474, MedGen C3151185, MONDO:0013441, OMIM 613819.
Nephronophthisis 12 (NPHP12). Identifiers: Orphanet 655, MedGen C3151186, MONDO:0013442, OMIM 613820.

Allele frequency attached by ClinVar (database versions not stated): ESP Exome Variant Server 0.00769; gnomAD 0.01377; TOPMed 0.01972; 1000 Genomes Project 0.03415; 1000 Genomes Project 30x 0.03670.
gnomAD v4.1: 21,860 of 1,613,778 alleles (1.4%); highest among the groups gnomAD compares: Admixed American, 12%; 703 homozygotes.

Submissions (12):

Labcorp Genetics (formerly Invitae), Labcorp
Classification: Benign for Jeune thoracic dystrophy; Nephronophthisis. Last evaluated: 2026-02-03. Review status: criteria provided, single submitter. Criteria: Invitae Variant Classification Sherloc (09022015). Collection method: clinical testing. Allele origin: germline.

ARUP Laboratories, Molecular Genetics and Genomics, ARUP Laboratories
Classification: Benign. Last evaluated: 2025-07-02. Review status: criteria provided, single submitter. Criteria: ARUP Molecular Germline Variant Investigation Process 2024. Collection method: clinical testing. Allele origin: germline.

Blueprint Genetics
Classification: Likely benign. Last evaluated: 2024-11-25. Review status: criteria provided, single submitter. Criteria: ACMG Guidelines, 2015. Collection method: clinical testing. Allele origin: germline.

Mayo Clinic Laboratories, Mayo Clinic
Classification: Benign. Last evaluated: 2023-02-01. Review status: criteria provided, single submitter. Criteria: ACMG Guidelines, 2015. Collection method: clinical testing. Allele origin: germline. Observed: 15 variant alleles.
Comment: BA1, BS2, BP4, BP7

Genome Diagnostics Laboratory, The Hospital for Sick Children
Classification: Benign for Connective tissue disorder. Last evaluated: 2022-05-26. Review status: criteria provided, single submitter. Criteria: ACMG Guidelines, 2015. Collection method: clinical testing. Allele origin: germline.

Illumina Laboratory Services, Illumina
Classification: Benign for Nephronophthisis 12. Last evaluated: 2018-01-12. Review status: criteria provided, single submitter. Criteria: ICSL Variant Classification Criteria 13 December 2019. Collection method: clinical testing. Allele origin: germline.
Comment: This variant was observed in the ICSL laboratory as part of a predisposition screen in an ostensibly healthy population. It had not been previously curated by ICSL or reported in the Human Gene Mutation Database (HGMD: prior to June 1st, 2018), and was therefore a candidate for classification through an automated scoring system. Utilizing variant allele frequency, disease prevalence and penetrance estimates, and inheritance mode, an automated score was calculated to assess if this variant is too frequent to cause the disease. Based on the score and internal cut-off values, a variant classified as benign is not then subjected to further curation. The score for this variant resulted in a classification of benign for this disease.

Illumina Laboratory Services, Illumina
Classification: Benign for Asphyxiating thoracic dystrophy 4. Last evaluated: 2018-01-12. Review status: criteria provided, single submitter. Criteria: ICSL Variant Classification Criteria 13 December 2019. Collection method: clinical testing. Allele origin: germline.
Comment: the same text as in the submission from Illumina Laboratory Services, Illumina above.

GeneDx
Classification: Benign. Last evaluated: 2016-03-08. Review status: criteria provided, single submitter. Criteria: GeneDx Variant Classification (06012015). Collection method: clinical testing. Allele origin: germline. Affected: yes.
Comment: This variant is considered likely benign or benign based on one or more of the following criteria: it is a conservative change, it occurs at a poorly conserved position in the protein, it is predicted to be benign by multiple in silico algorithms, and/or has population frequency not consistent with disease.

Eurofins Ntd Llc (ga)
Classification: Benign. Last evaluated: 2013-10-10. Review status: criteria provided, single submitter. Criteria: EGL Classification Definitions 2015. Collection method: clinical testing. Allele origin: germline. Observed: 1 variant allele, 1 heterozygote.

Breakthrough Genomics
Classification: Benign. Review status: criteria provided, single submitter. Criteria: ACMG Guidelines, 2015. Collection method: not provided. Allele origin: germline. Inheritance: Autosomal recessive inheritance. Affected: yes.

PreventionGenetics, part of Exact Sciences
Classification: Benign. Review status: criteria provided, single submitter. Criteria: ACMG Guidelines, 2015. Collection method: clinical testing. Allele origin: germline.

Genetic Services Laboratory, University of Chicago
Classification: Likely benign for AllHighlyPenetrant. Review status: no assertion criteria provided. Collection method: clinical testing. Allele origin: germline. Inheritance: Autosomal recessive inheritance. Not counted in ClinVar's aggregate classification.
Comment: Likely benign based on allele frequency in 1000 Genomes Project or ESP global frequency and its presence in a patient with a rare or unrelated disease phenotype. NOT Sanger confirmed.

NM_024753.5(TTC21B):c.2385G>C (p.Leu795=)

Gene: TTC21B (tetratricopeptide repeat domain 21B; minus strand). Cytogenetic location: 2q24.3.
Variant type: single nucleotide variant.
Coding change: c.2385G>C on transcript NM_024753.5 (MANE Select); coding-DNA position 2385, G replaced by C.
Protein change: p.Leu795=; no amino-acid change (leucine 795 retained).
Molecular consequence: synonymous variant.
Genome position (GRCh38, 1-based): chr2:165,911,403, C>G on the plus strand (G>C on the coding strand, the complement: TTC21B is on the minus strand). VCF-style: chr2-165911403-C-G. GRCh37 (hg19) VCF-style: chr2-166767913-C-G.
Other names: p.Leu795=.
Identifiers: ClinVar variation 96138 (VCV000096138.41), dbSNP rs80225158, ClinGen allele CA149276.